The following is an entry in ClinVar:

NM_007129.5(ZIC2):c.230_236delinsCA (p.Phe77fs)

Gene: ZIC2 (Zic family zinc finger 2; plus strand). Cytogenetic location: 13q32.3.
Variant type: Indel.
Coding change: c.230_236delinsCA on transcript NM_007129.5 (MANE Select); coding-DNA positions 230 to 236, TCACGTC replaced by CA.
Protein change: p.Phe77fs; shifts the reading frame from phenylalanine 77.
Molecular consequence: frameshift variant.
Genome position (GRCh38, 1-based): chr13:99,982,294-99,982,300, TCACGTC replaced by CA. VCF-style: chr13-99982294-TCACGTC-CA. GRCh37 (hg19) VCF-style: chr13-100634548-TCACGTC-CA.
Other names: short protein forms F77fs.
Identifiers: ClinVar variation 971307 (VCV000971307.6), dbSNP rs2053238266, ClinGen allele CA1139663351.

ClinVar aggregate classification (germline): Pathogenic (1 of 4 stars; one submission).

Conditions:
Holoprosencephaly 5 (HPE5). Identifiers: Orphanet 2162, MedGen C1864827, MONDO:0012322, OMIM 609637.

Submission:

Labcorp Genetics (formerly Invitae), Labcorp
Classification: Pathogenic for Holoprosencephaly 5. Last evaluated: 2020-01-31. Review status: criteria provided, single submitter. Criteria: Invitae Variant Classification Sherloc (09022015). Collection method: clinical testing. Allele origin: germline.
Comment: This sequence change creates a premature translational stop signal (p.Phe77Serfs*288) in the ZIC2 gene. It is expected to result in an absent or disrupted protein product. The frequency data for this variant in the population databases is considered unreliable, as metrics indicate insufficient coverage at this position in the ExAC database. This variant has not been reported in the literature in individuals with ZIC2-related conditions. Loss-of-function variants in ZIC2 are known to be pathogenic (PMID: 17274816, 19955556, 29770992). For these reasons, this variant has been classified as Pathogenic.

Literature cited by the submitters: PubMed 17274816; PubMed 19955556; PubMed 29770992.